The following is an entry in ClinVar:

NM_004863.4(SPTLC2):c.1313G>A (p.Cys438Tyr)

Gene: SPTLC2 (serine palmitoyltransferase long chain base subunit 2; minus strand). Cytogenetic location: 14q24.3.
Variant type: single nucleotide variant.
Coding change: c.1313G>A on transcript NM_004863.4 (MANE Select); coding-DNA position 1313, G replaced by A.
Protein change: p.Cys438Tyr; replaces cysteine 438 with tyrosine.
Molecular consequence: missense variant.
Genome position (GRCh38, 1-based): chr14:77,521,572, C>T on the plus strand (G>A on the coding strand, the complement: SPTLC2 is on the minus strand). VCF-style: chr14-77521572-C-T. GRCh37 (hg19) VCF-style: chr14-77987915-C-T.
Other names: short protein forms C438Y.
Identifiers: ClinVar variation 471490 (VCV000471490.13), dbSNP rs116342919, ClinGen allele CA7289180.

ClinVar aggregate classification (germline): Conflicting classifications of pathogenicity. Review status: criteria provided, conflicting classifications (1 of 4 stars). 3 submissions from 3 submitters: Uncertain significance (1); Likely benign (2). Last evaluated 2026-06-13.

Conditions:
SPTLC2-related disorder. Also called: SPTLC2-related condition.
Inborn genetic diseases. Identifiers: MedGen C0950123, MeSH D030342.
Neuropathy, hereditary sensory and autonomic, type 1C. Also called: HSAN IC; HSN IC. Identifiers: Orphanet 36386, MedGen C3150896, MONDO:0013337, OMIM 613640.

Allele frequency attached by ClinVar (database versions not stated): gnomAD exomes 0.00001 and 0.00002; ExAC 0.00002; gnomAD 0.00009; 1000 Genomes Project 30x 0.00016; 1000 Genomes Project 0.00020; TOPMed 0.00026.
gnomAD v4.1: 23 of 1,614,024 alleles (0.0014%); highest among the groups gnomAD compares: Admixed American, 0.022%; no homozygotes.

Submissions (3):

PreventionGenetics, part of Exact Sciences
Classification: Uncertain significance for SPTLC2-related condition. Last evaluated: 2026-06-13. Review status: criteria provided, single submitter. Criteria: ACMG Guidelines, 2015. Collection method: clinical testing. Allele origin: germline.
Comment: The SPTLC2 c.1313G>A variant is predicted to result in the amino acid substitution p.Cys438Tyr. To our knowledge, this variant has not been reported in the literature. This variant is reported in 0.016% of alleles in individuals of African descent in gnomAD. Although we suspect that this variant may be benign, at this time, the clinical significance of this variant is uncertain due to the absence of conclusive functional and genetic evidence.

Labcorp Genetics (formerly Invitae), Labcorp
Classification: Likely benign for Neuropathy, hereditary sensory and autonomic, type 1C. Last evaluated: 2026-01-05. Review status: criteria provided, single submitter. Criteria: Invitae Variant Classification Sherloc (09022015). Collection method: clinical testing. Allele origin: germline.

Ambry Genetics
Classification: Likely benign for Inborn genetic diseases. Last evaluated: 2022-04-05. Review status: criteria provided, single submitter. Criteria: Ambry Variant Classification Scheme 2023. Collection method: clinical testing. Allele origin: germline.